The following is an entry in ClinVar:

NM_004211.5(SLC6A5):c.194C>T (p.Ala65Val)

Gene: SLC6A5 (solute carrier family 6 member 5; plus strand). Cytogenetic location: 11p15.1.
Variant type: single nucleotide variant.
Coding change: c.194C>T on transcript NM_004211.5 (MANE Select); coding-DNA position 194, C replaced by T.
Protein change: p.Ala65Val; replaces alanine 65 with valine.
Molecular consequence: missense variant. On other transcripts: 5 prime UTR variant (1).
Genome position (GRCh38, 1-based): chr11:20,601,319, C>T. VCF-style: chr11-20601319-C-T. GRCh37 (hg19) VCF-style: chr11-20622865-C-T.
Other names: c.-370C>T (NM_001318369.2); short protein forms A65V.
Identifiers: ClinVar variation 1984630 (VCV001984630.2), dbSNP rs768245472, ClinGen allele CA5921015.

ClinVar aggregate classification (germline): Uncertain significance (1 of 4 stars; one submission).

Conditions:
Hyperekplexia 3 (HKPX3). Also called: HYPEREKPLEXIA 3, AUTOSOMAL RECESSIVE; HYPEREKPLEXIA 3, AUTOSOMAL DOMINANT. Identifiers: Orphanet 3197, MedGen C3553288, MONDO:0013827, OMIM 614618.

Allele frequency attached by ClinVar (database versions not stated): gnomAD 0.00001; ExAC 0.00002.
gnomAD v4.1: 2 of 1,592,242 alleles (0.00013%); highest among the groups gnomAD compares: Non-Finnish European, 0.00017%; no homozygotes.

Submission:

Labcorp Genetics (formerly Invitae), Labcorp
Classification: Uncertain significance for Hyperekplexia 3. Last evaluated: 2022-07-22. Review status: criteria provided, single submitter. Criteria: Invitae Variant Classification Sherloc (09022015). Collection method: clinical testing. Allele origin: germline.
Comment: In summary, the available evidence is currently insufficient to determine the role of this variant in disease. Therefore, it has been classified as a Variant of Uncertain Significance. Advanced modeling of protein sequence and biophysical properties (such as structural, functional, and spatial information, amino acid conservation, physicochemical variation, residue mobility, and thermodynamic stability) performed at Invitae indicates that this missense variant is not expected to disrupt SLC6A5 protein function. This variant has not been reported in the literature in individuals affected with SLC6A5-related conditions. The frequency data for this variant in the population databases is considered unreliable, as metrics indicate poor data quality at this position in the gnomAD database. This sequence change replaces alanine, which is neutral and non-polar, with valine, which is neutral and non-polar, at codon 65 of the SLC6A5 protein (p.Ala65Val).